The following is an entry in ClinVar:

NM_002880.4(RAF1):c.1475T>C (p.Val492Ala)

Gene: RAF1 (Raf-1 proto-oncogene, serine/threonine kinase; minus strand). Cytogenetic location: 3p25.2.
Variant type: single nucleotide variant.
Coding change: c.1475T>C on transcript NM_002880.4 (MANE Select); coding-DNA position 1475, T replaced by C.
Protein change: p.Val492Ala; replaces valine 492 with alanine.
Molecular consequence: missense variant. On other transcripts: non-coding transcript variant (3).
Genome position (GRCh38, 1-based): chr3:12,585,742, A>G on the plus strand (T>C on the coding strand, the complement: RAF1 is on the minus strand). VCF-style: chr3-12585742-A-G. GRCh37 (hg19) VCF-style: chr3-12627241-A-G.
Other names: c.1535T>C, p.Val512Ala (NM_001354689.3); c.1475T>C, p.Val492Ala (NM_001354690.3); c.1232T>C, p.Val411Ala (NM_001354691.3, NM_001354692.3); c.1376T>C, p.Val459Ala (NM_001354693.3); c.1292T>C, p.Val431Ala (NM_001354694.3); c.1133T>C, p.Val378Ala (NM_001354695.3); short protein forms V411A, V378A, V459A, V492A, V431A, V512A.
Identifiers: ClinVar variation 2175557 (VCV002175557.4), dbSNP rs1032296179, ClinGen allele CA69603960.

ClinVar aggregate classification (germline): Uncertain significance (1 of 4 stars; one submission).

Conditions:
RASopathy. Also called: Noonan spectrum disorder; rasopathies. Identifiers: Orphanet 536391, MedGen C5555857, MONDO:0021060.

Allele frequency attached by ClinVar (database versions not stated): gnomAD 0.00001; TOPMed 0.00002.
gnomAD v4.1: 1 of 1,614,064 alleles (0.000062%); highest among the groups gnomAD compares: Non-Finnish European, 0.000085%; no homozygotes.

Submission:

Labcorp Genetics (formerly Invitae), Labcorp
Classification: Uncertain significance for RASopathy. Last evaluated: 2023-11-27. Review status: criteria provided, single submitter. Criteria: Invitae Variant Classification Sherloc (09022015). Collection method: clinical testing. Allele origin: germline.
Comment: This sequence change replaces valine, which is neutral and non-polar, with alanine, which is neutral and non-polar, at codon 492 of the RAF1 protein (p.Val492Ala). This variant is not present in population databases (gnomAD no frequency). This variant has not been reported in the literature in individuals affected with RAF1-related conditions. ClinVar contains an entry for this variant (Variation ID: 2175557). Advanced modeling of protein sequence and biophysical properties (such as structural, functional, and spatial information, amino acid conservation, physicochemical variation, residue mobility, and thermodynamic stability) has been performed at Invitae for this missense variant, however the output from this modeling did not meet the statistical confidence thresholds required to predict the impact of this variant on RAF1 protein function. In summary, the available evidence is currently insufficient to determine the role of this variant in disease. Therefore, it has been classified as a Variant of Uncertain Significance.